The following is an entry in ClinVar:

ClinVar aggregate classification (germline): Conflicting classifications of pathogenicity. Review status: criteria provided, conflicting classifications (1 of 4 stars). 3 submissions from 3 submitters: Uncertain significance (2); Likely benign (1). Last evaluated 2025-07-14.

Conditions:
Hereditary cancer-predisposing syndrome. Also called: Neoplastic Syndromes, Hereditary; Tumor predisposition; Hereditary neoplastic syndrome; Hereditary Cancer Syndrome. Identifiers: Orphanet 140162, MedGen C0027672, MeSH D009386, MONDO:0015356.
Hereditary breast ovarian cancer syndrome. Also called: Hereditary breast and ovarian cancer syndrome; Hereditary breast and ovarian cancer; Hereditary breast and ovarian cancer syndrome (HBOC); Breast and ovarian cancer; Hereditary breast and/or ovarian cancer syndrome; BRCA1- and BRCA2-Associated Hereditary Breast and Ovarian Cancer. Identifiers: Orphanet 145, MedGen C0677776, MeSH D061325, MONDO:0003582. Disease mechanism: loss of function.

Allele frequency attached by ClinVar (database versions not stated): gnomAD exomes below 0.00001 and 0.00001; ExAC 0.00002; 1000 Genomes Project 30x 0.00016; 1000 Genomes Project 0.00020.
gnomAD v4.1: 1 of 1,612,490 alleles (0.000062%); highest among the groups gnomAD compares: South Asian, 0.0011%; no homozygotes.

Submissions (3):

Labcorp Genetics (formerly Invitae), Labcorp
Classification: Uncertain significance for Hereditary breast ovarian cancer syndrome. Last evaluated: 2025-07-14. Review status: criteria provided, single submitter. Criteria: Invitae Variant Classification Sherloc (09022015). Collection method: clinical testing. Allele origin: germline.
Comment: This sequence change replaces isoleucine, which is neutral and non-polar, with threonine, which is neutral and polar, at codon 1117 of the BRCA2 protein (p.Ile1117Thr). This variant is present in population databases (rs558973276, gnomAD 0.007%). This missense change has been observed in individual(s) with hereditary breast and/or ovarian cancer (PMID: 17503080). This variant is also known as c.3578T>C, I1117T. ClinVar contains an entry for this variant (Variation ID: 823648). Invitae Evidence Modeling of protein sequence and biophysical properties (such as structural, functional, and spatial information, amino acid conservation, physicochemical variation, residue mobility, and thermodynamic stability) indicates that this missense variant is not expected to disrupt BRCA2 protein function with a negative predictive value of 95%. In summary, the available evidence is currently insufficient to determine the role of this variant in disease. Therefore, it has been classified as a Variant of Uncertain Significance.

University of Washington Department of Laboratory Medicine, University of Washington
Classification: Likely benign for Hereditary cancer-predisposing syndrome. Last evaluated: 2023-03-23. Review status: criteria provided, single submitter. Criteria: Dines et al. (Genet Med. 2020). Collection method: curation. Allele origin: germline.
Comment: Missense variant in a coldspot region where missense variants are very unlikely to be pathogenic (PMID:31911673).

BRCA2 exon 11 coldspot. Reclassification based on statistical prior probability.

Ambry Genetics
Classification: Uncertain significance for Hereditary cancer-predisposing syndrome. Last evaluated: 2023-02-07. Review status: criteria provided, single submitter. Criteria: Ambry Variant Classification Scheme 2023. Collection method: clinical testing. Allele origin: germline.
Comment: The p.I1117T variant (also known as c.3350T>C), located in coding exon 10 of the BRCA2 gene, results from a T to C substitution at nucleotide position 3350. The isoleucine at codon 1117 is replaced by threonine, an amino acid with similar properties. This alteration, designated 3578T>C, has been reported in 1/96 breast and/or ovarian cancer families from South India (Syamala V et al. J. Cancer Res. Clin. Oncol., 2007 Nov;133:867-74). This amino acid position is highly conserved in available vertebrate species. In addition, the in silico prediction for this alteration is inconclusive. Since supporting evidence is limited at this time, the clinical significance of this alteration remains unclear.

Literature cited by the submitters: PubMed 17503080 (cited by Labcorp Genetics (formerly Invitae), Labcorp and Ambry Genetics).

NM_000059.4(BRCA2):c.3350T>C (p.Ile1117Thr)

Gene: BRCA2 (BRCA2 DNA repair associated; plus strand). Cytogenetic location: 13q13.1.
Variant type: single nucleotide variant.
Coding change: c.3350T>C on transcript NM_000059.4 (MANE Select); coding-DNA position 3350, T replaced by C.
Protein change: p.Ile1117Thr; replaces isoleucine 1117 with threonine.
Molecular consequence: missense variant.
Genome position (GRCh38, 1-based): chr13:32,337,705, T>C. VCF-style: chr13-32337705-T-C. GRCh37 (hg19) VCF-style: chr13-32911842-T-C.
Other names: short protein forms I1117T.
Identifiers: ClinVar variation 823648 (VCV000823648.14), dbSNP rs558973276, ClinGen allele CA6940691.
Genomic context (GRCh38, chr13:32,337,705, plus strand): 5'-TTAATTCAAACCATAATTTAACACCTAGCCAAAAGGCAGAAATTACAGAACTTTCTACTA[T>C]ATTAGAAGAATCAGGAAGTCAGTTTGAATTTACTCAGTTTAGAAAACCAAGCTACATATT-3'
Protein context (NP_000050.3, residues 1107-1127): QKAEITELST[Ile1117Thr]LEESGSQFEF